The following is an entry in ClinVar:

NM_001122630.2(CDKN1C):c.16G>C (p.Ala6Pro)

Gene: CDKN1C (cyclin dependent kinase inhibitor 1C; minus strand). Cytogenetic location: 11p15.4.
Variant type: single nucleotide variant.
Coding change: c.16G>C on transcript NM_001122630.2 (MANE Select); coding-DNA position 16, G replaced by C.
Protein change: p.Ala6Pro; replaces alanine 6 with proline.
Molecular consequence: missense variant.
Genome position (GRCh38, 1-based): chr11:2,885,441, C>G on the plus strand (G>C on the coding strand, the complement: CDKN1C is on the minus strand). VCF-style: chr11-2885441-C-G. GRCh37 (hg19) VCF-style: chr11-2906671-C-G.
Other names: c.49G>C, p.Ala17Pro (NM_000076.2, NM_001362474.2); c.16G>C, p.Ala6Pro (NM_001122631.2, NM_001362475.2); short protein forms A17P, A6P.
Identifiers: ClinVar variation 841004 (VCV000841004.9), dbSNP rs1848981921, ClinGen allele CA379147941.

ClinVar aggregate classification (germline): Uncertain significance (1 of 4 stars; one submission).

Conditions:
Beckwith-Wiedemann syndrome (BWS). Also called: Exomphalos macroglossia gigantism syndrome; EMG SYNDROME. Identifiers: Orphanet 116, MedGen C0004903, MONDO:0007534, OMIM 130650.

Submission:

Labcorp Genetics (formerly Invitae), Labcorp
Classification: Uncertain significance for Beckwith-Wiedemann syndrome. Last evaluated: 2019-04-05. Review status: criteria provided, single submitter. Criteria: Invitae Variant Classification Sherloc (09022015). Collection method: clinical testing. Allele origin: germline.
Comment: This sequence change replaces alanine with proline at codon 17 of the CDKN1C protein (p.Ala17Pro). The alanine residue is moderately conserved and there is a small physicochemical difference between alanine and proline. This variant is not present in population databases (ExAC no frequency). This variant has not been reported in the literature in individuals with CDKN1C-related conditions. Algorithms developed to predict the effect of missense changes on protein structure and function are either unavailable or do not agree on the potential impact of this missense change (SIFT: "Deleterious"; PolyPhen-2: "Possibly Damaging"; Align-GVGD: "Class C0"). In summary, the available evidence is currently insufficient to determine the role of this variant in disease. Therefore, it has been classified as a Variant of Uncertain Significance.